The following is an entry in ClinVar:

NM_005235.3(ERBB4):c.1203C>T (p.Phe401=)

Gene: ERBB4 (erb-b2 receptor tyrosine kinase 4; minus strand). Cytogenetic location: 2q34.
Variant type: single nucleotide variant.
Coding change: c.1203C>T on transcript NM_005235.3 (MANE Select); coding-DNA position 1203, C replaced by T.
Protein change: p.Phe401=; no amino-acid change (phenylalanine 401 retained).
Molecular consequence: synonymous variant.
Genome position (GRCh38, 1-based): chr2:211,704,190, G>A on the plus strand (C>T on the coding strand, the complement: ERBB4 is on the minus strand). VCF-style: chr2-211704190-G-A. GRCh37 (hg19) VCF-style: chr2-212568915-G-A.
Other names: c.1203C>T, p.Phe401= (NM_001042599.2).
Identifiers: ClinVar variation 3356671 (VCV003356671.1).
Genomic context (GRCh38, chr2:211,704,190, plus strand): 5'-CACCAGGTTAGAAAAAACACTGAAGTCAGTCATGTTTGGTGGCCATGACTGTATGTTCAG[G>A]AAACCTACAAGTGAAGAGTAGAAAAAATAAATCAGAATATCATTGTCTTAGTATTAGTGC-3'
Protein context (NP_005226.1, residues 391-411): VFRTVREITG[Phe401=]LNIQSWPPNM

ClinVar aggregate classification (germline): Likely benign (0 of 4 stars; one submission).

Conditions:
ERBB4-related disorder. Also called: ERBB4-related condition.

gnomAD v4.1: 1 of 1,598,940 alleles (0.000063%); highest among the groups gnomAD compares: Middle Eastern, 0.017%; no homozygotes.

Submission:

PreventionGenetics, part of Exact Sciences
Classification: Likely benign for ERBB4-related condition. Last evaluated: 2024-02-22. Review status: no assertion criteria provided. Collection method: clinical testing. Allele origin: germline.
Comment: This variant is classified as likely benign based on ACMG/AMP sequence variant interpretation guidelines (Richards et al. 2015 PMID: 25741868, with internal and published modifications).